The following is an entry in ClinVar:

NM_004539.4(NARS1):c.356C>T (p.Ala119Val)

Gene: NARS1 (asparaginyl-tRNA synthetase 1; minus strand). Cytogenetic location: 18q21.31.
Variant type: single nucleotide variant.
Coding change: c.356C>T on transcript NM_004539.4 (MANE Select); coding-DNA position 356, C replaced by T.
Protein change: p.Ala119Val; replaces alanine 119 with valine.
Molecular consequence: missense variant.
Genome position (GRCh38, 1-based): chr18:57,613,667, G>A on the plus strand (C>T on the coding strand, the complement: NARS1 is on the minus strand). VCF-style: chr18-57613667-G-A. GRCh37 (hg19) VCF-style: chr18-55280899-G-A.
Other names: short protein forms A119V.
Identifiers: ClinVar variation 3906091 (VCV003906091.10).

ClinVar aggregate classification (germline): Uncertain significance (1 of 4 stars; one submission).

gnomAD v4.1: 5 of 1,613,556 alleles (0.00031%); highest among the groups gnomAD compares: Non-Finnish European, 0.00034%; no homozygotes.

Submission:

CeGaT Center for Human Genetics Tuebingen
Classification: Uncertain significance. Last evaluated: 2025-06-01. Review status: criteria provided, single submitter. Criteria: CeGaT Center For Human Genetics Tuebingen Variant Classification Criteria Version 2. Collection method: clinical testing. Allele origin: germline. Affected: yes. Observed: 1 variant allele.
Comment: NARS1: PM2, BP4